The following is an entry in ClinVar:

ClinVar aggregate classification (germline): Uncertain significance (1 of 4 stars; one submission).

Conditions:
Charcot-Marie-Tooth disease type 2E (CMT2E). Also called: CHARCOT-MARIE-TOOTH DISEASE, AXONAL, TYPE 2E; CHARCOT-MARIE-TOOTH NEUROPATHY, TYPE 2E. Identifiers: Orphanet 99939, MedGen C1843225, MONDO:0011894, OMIM 607684.

Submission:

Labcorp Genetics (formerly Invitae), Labcorp
Classification: Uncertain significance for Charcot-Marie-Tooth disease type 2E. Last evaluated: 2019-06-04. Review status: criteria provided, single submitter. Criteria: Invitae Variant Classification Sherloc (09022015). Collection method: clinical testing. Allele origin: germline.
Comment: This variant results in a copy number gain of the genomic region encompassing the full coding sequence of the NEFL gene. The boundaries of this event are unknown as they extend beyond the assayed region for this gene and therefore may encompass additional genes. As the precise location of this event is unknown, it may be in tandem or it may be located elsewhere in the genome. This variant has not been reported in the literature in individuals with NEFL-related disease. In summary, the available evidence is currently insufficient to determine the role of this variant in disease. Therefore, it has been classified as a Variant of Uncertain Significance.

NC_000008.10:g.(?_24810313)_(24814039_?)dup

Gene: NEFL (neurofilament light chain; minus strand). Cytogenetic location: 8p21.2.
Variant type: Duplication.
Identifiers: ClinVar variation 647457 (VCV000647457.2).